The following is an entry in ClinVar:

ClinVar aggregate classification (germline): Uncertain significance. Review status: criteria provided, multiple submitters, no conflicts (2 of 4 stars). 2 submissions from 2 submitters: Uncertain significance (2). Last evaluated 2021-08-19.

Conditions:
Cardiovascular phenotype. Identifiers: MedGen CN230736.

Allele frequency attached by ClinVar (database versions not stated): gnomAD exomes 0.00001.
gnomAD v4.1: 4 of 1,613,898 alleles (0.00025%); highest among the groups gnomAD compares: Non-Finnish European, 0.00034%; no homozygotes.

Submissions (2):

Ambry Genetics
Classification: Uncertain significance for Cardiovascular phenotype. Last evaluated: 2021-08-19. Review status: criteria provided, single submitter. Criteria: Ambry Variant Classification Scheme 2023. Collection method: clinical testing. Allele origin: germline.
Comment: The p.Q215R variant (also known as c.644A>G), located in coding exon 6 of the NEXN gene, results from an A to G substitution at nucleotide position 644. The glutamine at codon 215 is replaced by arginine, an amino acid with highly similar properties. This amino acid position is conserved. In addition, this alteration is predicted to be tolerated by in silico analysis. Since supporting evidence is limited at this time, the clinical significance of this alteration remains unclear.

GeneDx
Classification: Uncertain significance. Last evaluated: 2019-12-04. Review status: criteria provided, single submitter. Criteria: GeneDx Variant Classification Process June 2021. Collection method: clinical testing. Allele origin: germline. Affected: yes.
Comment: Has not been previously published as pathogenic or benign to our knowledge; Not observed in large population cohorts (Lek et al., 2016); In silico analysis, which includes protein predictors and evolutionary conservation, supports that this variant does not alter protein structure/function

NM_144573.4(NEXN):c.644A>G (p.Gln215Arg)

Gene: NEXN (nexilin F-actin binding protein; plus strand). Cytogenetic location: 1p31.1.
Variant type: single nucleotide variant.
Coding change: c.644A>G on transcript NM_144573.4 (MANE Select); coding-DNA position 644, A replaced by G.
Protein change: p.Gln215Arg; replaces glutamine 215 with arginine.
Molecular consequence: missense variant.
Genome position (GRCh38, 1-based): chr1:77,926,568, A>G. VCF-style: chr1-77926568-A-G. GRCh37 (hg19) VCF-style: chr1-78392253-A-G.
Other names: c.452A>G, p.Gln151Arg (NM_001172309.2); short protein forms Q151R, Q215R.
Identifiers: ClinVar variation 1310768 (VCV001310768.4), dbSNP rs2102123963, ClinGen allele CA340873018.